The following is an entry in ClinVar:

GRCh38/hg38 17p12-11.2(chr17:15776915-18771753)x1

Genes: LRRC75A (leucine rich repeat containing 75A; minus strand), MIR6777 (microRNA 6777; minus strand), MIR6778 (microRNA 6778; minus strand), MPRIP (myosin phosphatase Rho interacting protein; plus strand), MED9 (mediator complex subunit 9; plus strand) and 214 more. Cytogenetic location: 17p12-11.2.
Variant type: copy number loss.
Change: copy number 1 (one copy instead of two) of chr17:15,776,915-18,771,753 (2.99 Mb, GRCh38 coordinates, 1-based), cytogenetic band 17p12-11.2.
Identifiers: ClinVar variation 56996 (VCV000056996.1).

ClinVar aggregate classification (germline): Pathogenic (1 of 4 stars; one submission).

Submission:

ISCA site 4
Classification: Pathogenic. Last evaluated: 2011-08-12. Review status: criteria provided, single submitter. Criteria: Kaminsky et al. (Genet Med. 2011). Collection method: clinical testing. Allele origin: unknown. Affected: yes. Observed: 1 variant allele.
Comment: Copy number variation identified through the course of routine clinical cytogenomic testing in postnatal populations. Clinical assertions have been curated as described in Kaminsky et al. 2011.